The following is an entry in ClinVar:

NM_002637.4(PHKA1):c.2102C>T (p.Ser701Phe)

Gene: PHKA1 (phosphorylase kinase regulatory subunit alpha 1; minus strand). Cytogenetic location: Xq13.1.
Variant type: single nucleotide variant.
Coding change: c.2102C>T on transcript NM_002637.4 (MANE Select); coding-DNA position 2102, C replaced by T.
Protein change: p.Ser701Phe; replaces serine 701 with phenylalanine.
Molecular consequence: missense variant. On other transcripts: intron variant (1).
Genome position (GRCh38, 1-based): chrX:72,620,760, G>A on the plus strand (C>T on the coding strand, the complement: PHKA1 is on the minus strand). VCF-style: chrX-72620760-G-A. GRCh37 (hg19) VCF-style: chrX-71840610-G-A.
Other names: c.2102C>T, p.Ser701Phe (NM_001122670.2); c.1961-1455C>T (NM_001172436.2); short protein forms S701F.
Identifiers: ClinVar variation 2671674 (VCV002671674.1), dbSNP rs868926138, ClinGen allele CA413590957.

ClinVar aggregate classification (germline): Uncertain significance (1 of 4 stars; one submission).

Conditions:
Glycogen storage disease IXd (GSD9D). Also called: GSD IXd; Muscle Phosphorylase Kinase Deficiency. Identifiers: Orphanet 715, MedGen C1845151, MONDO:0010362, OMIM 300559.

Allele frequency attached by ClinVar (database versions not stated): gnomAD exomes below 0.00001.
gnomAD v4.1: 1 of 1,210,162 alleles (0.000083%); highest among the groups gnomAD compares: South Asian, 0.0018%; no homozygotes.

Submission:

Neuberg Centre For Genomic Medicine, NCGM
Classification: Uncertain significance for Glycogen storage disease IXd. Last evaluated: 2023-03-01. Review status: criteria provided, single submitter. Criteria: ACMG Guidelines, 2015. Collection method: clinical testing. Allele origin: germline. Inheritance: Autosomal recessive inheritance. Affected: yes.
Comment: The missense variant c.2102C>T(p.Ser701Phe) in PHKA1 gene has not been reported previously as a pathogenic variant nor as a benign variant, to our knowledge. The variant is novel (not in any individuals) in gnomAD Exomes and 1000 Genomes. The amino acid Serine at position 701 is changed to a Phenyl alanine changing protein sequence and it might alter its composition and physico-chemical properties. The variant is predicted to be damaging by SIFT. The amino acid change p.Ser701Phe in PHKA1 is predicted as conserved by GERP++ and PhyloP across 100 vertebrates. For these reasons, this variant has been classified as Uncertain Significance.